The following is an entry in ClinVar:

NM_031418.4(ANO3):c.1784C>T (p.Thr595Ile)

Gene: ANO3 (anoctamin 3; plus strand). Cytogenetic location: 11p14.2.
Variant type: single nucleotide variant.
Coding change: c.1784C>T on transcript NM_031418.4 (MANE Select); coding-DNA position 1784, C replaced by T.
Protein change: p.Thr595Ile; replaces threonine 595 with isoleucine.
Molecular consequence: missense variant.
Genome position (GRCh38, 1-based): chr11:26,599,662, C>T. VCF-style: chr11-26599662-C-T. GRCh37 (hg19) VCF-style: chr11-26621209-C-T.
Other names: c.1967C>T, p.Thr656Ile (NM_001313726.2); c.1346C>T, p.Thr449Ile (NM_001313727.2); short protein forms T449I, T595I, T656I.
Identifiers: ClinVar variation 4891260 (VCV004891260.1).

ClinVar aggregate classification (germline): Uncertain significance (1 of 4 stars; one submission).

Conditions:
Dystonia 24 (DYT24). Also called: DYT-ANO3. Identifiers: Orphanet 420485, MedGen C3554374, MONDO:0014019, OMIM 615034.

Submission:

Clinical Genetics Laboratory, University Hospital Schleswig-Holstein
Classification: Uncertain significance for Dystonia 24. Last evaluated: 2025-10-24. Review status: criteria provided, single submitter. Criteria: ACMG Guidelines, 2015. Collection method: clinical testing. Allele origin: germline. Affected: yes. Observed: 1 heterozygote.
Comment: ACMG criteria applied: PM2, PP2, PP3